The following is an entry in ClinVar:

ClinVar aggregate classification (germline): Uncertain significance (1 of 4 stars; one submission).

Conditions:
Hyperphosphatasia with intellectual disability syndrome 5 (GPIBD11). Also called: GLYCOSYLPHOSPHATIDYLINOSITOL BIOSYNTHESIS DEFECT 11. Identifiers: Orphanet 247262, MedGen C4014958, MONDO:0014457, OMIM 616025.

Submission:

Labcorp Genetics (formerly Invitae), Labcorp
Classification: Uncertain significance for Hyperphosphatasia with intellectual disability syndrome 5. Last evaluated: 2023-12-18. Review status: criteria provided, single submitter. Criteria: Invitae Variant Classification Sherloc (09022015). Collection method: clinical testing. Allele origin: germline.
Comment: This sequence change creates a premature translational stop signal (p.Tyr355Argfs*26) in the PIGW gene. While this is not anticipated to result in nonsense mediated decay, it is expected to disrupt the last 150 amino acid(s) of the PIGW protein. This variant is present in population databases (rs771195727, gnomAD 0.006%). This variant has not been reported in the literature in individuals affected with PIGW-related conditions. ClinVar contains an entry for this variant (Variation ID: 2105535). Experimental studies and prediction algorithms are not available or were not evaluated, and the functional significance of this variant is currently unknown. In summary, the available evidence is currently insufficient to determine the role of this variant in disease. Therefore, it has been classified as a Variant of Uncertain Significance.

NM_001346754.2(PIGW):c.1062_1063del (p.Tyr355fs)

Genes: MYO19 (myosin XIX; minus strand), PIGW (phosphatidylinositol glycan anchor biosynthesis class W; plus strand). Cytogenetic location: 17q12.
Variant type: Deletion.
Coding change: c.1062_1063del on transcript NM_001346754.2 (MANE Select); coding-DNA positions 1062 to 1063, 2 bases deleted (TT; older notation c.1062_1063delTT).
Protein change: p.Tyr355fs; shifts the reading frame from tyrosine 355.
Molecular consequence: frameshift variant.
Genome position (GRCh38, 1-based): chr17:36,538,163-36,538,164, TT deleted; deleting any 2 consecutive bases within chr17:36,538,162-36,538,164 gives the same sequence; the c. name uses the placement nearest the transcript's 3' end. VCF-style (leftmost placement, unchanged base first): chr17-36538161-CTT-C. GRCh37 (hg19) VCF-style: chr17-34894010-CTT-C.
Other names: c.1062_1063del, p.Tyr355fs (NM_001346755.2, NM_178517.5); short protein forms Y355fs.
Identifiers: ClinVar variation 2105535 (VCV002105535.4), dbSNP rs771195727, ClinGen allele CA290116567.